The following is an entry in ClinVar:

ClinVar aggregate classification (germline): Uncertain significance (1 of 4 stars; one submission).

Allele frequency attached by ClinVar (database versions not stated): gnomAD exomes 0.00004; ExAC 0.00008; ESP Exome Variant Server 0.00008; TOPMed 0.00012; gnomAD 0.00015; 1000 Genomes Project 30x 0.00078; 1000 Genomes Project 0.00100.
gnomAD v4.1: 81 of 1,614,152 alleles (0.005%); highest among the groups gnomAD compares: Middle Eastern, 0.049%; 1 homozygote.

Submission:

Labcorp Genetics (formerly Invitae), Labcorp
Classification: Uncertain significance. Last evaluated: 2024-12-24. Review status: criteria provided, single submitter. Criteria: Invitae Variant Classification Sherloc (09022015). Collection method: clinical testing. Allele origin: germline.
Comment: This sequence change replaces arginine, which is basic and polar, with cysteine, which is neutral and slightly polar, at codon 318 of the DNAH9 protein (p.Arg318Cys). This variant is present in population databases (rs200383972, gnomAD 0.05%). This variant has not been reported in the literature in individuals affected with DNAH9-related conditions. ClinVar contains an entry for this variant (Variation ID: 2055759). An algorithm developed to predict the effect of missense changes on protein structure and function outputs the following: PolyPhen-2: "Benign". The cysteine amino acid residue is found in multiple mammalian species, which suggests that this missense change does not adversely affect protein function. In summary, the available evidence is currently insufficient to determine the role of this variant in disease. Therefore, it has been classified as a Variant of Uncertain Significance.

NM_001372.4(DNAH9):c.952C>T (p.Arg318Cys)

Gene: DNAH9 (dynein axonemal heavy chain 9; plus strand). Cytogenetic location: 17p12.
Variant type: single nucleotide variant.
Coding change: c.952C>T on transcript NM_001372.4 (MANE Select); coding-DNA position 952, C replaced by T.
Protein change: p.Arg318Cys; replaces arginine 318 with cysteine.
Molecular consequence: missense variant.
Genome position (GRCh38, 1-based): chr17:11,617,458, C>T. VCF-style: chr17-11617458-C-T. GRCh37 (hg19) VCF-style: chr17-11520775-C-T.
Other names: short protein forms R318C.
Identifiers: ClinVar variation 2055759 (VCV002055759.3), dbSNP rs200383972, ClinGen allele CA8394718.